The following is an entry in ClinVar:

ClinVar aggregate classification (germline): Uncertain significance (1 of 4 stars; one submission).

Conditions:
Heimler syndrome 1 (HMLR1). Also called: PEROXISOME BIOGENESIS DISORDER 1C. Identifiers: Orphanet 3220, MedGen C4551980, OMIM 234580, MONDO:0024544.

Allele frequency attached by ClinVar (database versions not stated): gnomAD exomes below 0.00001; TOPMed 0.00002; gnomAD 0.00001.
gnomAD v4.1: 8 of 1,596,310 alleles (0.0005%); highest among the groups gnomAD compares: Non-Finnish European, 0.0006%; no homozygotes.

Submission:

Baylor Genetics
Classification: Uncertain significance for Heimler syndrome 1. Last evaluated: 2018-12-24. Review status: criteria provided, single submitter. Criteria: ACMG Guidelines, 2015. Collection method: clinical testing. Allele origin: unknown. Affected: yes.
Comment: This variant was determined to be of uncertain significance according to ACMG Guidelines, 2015 [PMID:25741868].

NM_000466.3(PEX1):c.2235A>T (p.Arg745Ser)

Gene: PEX1 (peroxisomal biogenesis factor 1; minus strand). Cytogenetic location: 7q21.2.
Variant type: single nucleotide variant.
Coding change: c.2235A>T on transcript NM_000466.3 (MANE Select); coding-DNA position 2235, A replaced by T.
Protein change: p.Arg745Ser; replaces arginine 745 with serine.
Molecular consequence: missense variant.
Genome position (GRCh38, 1-based): chr7:92,502,071, T>A on the plus strand (A>T on the coding strand, the complement: PEX1 is on the minus strand). VCF-style: chr7-92502071-T-A. GRCh37 (hg19) VCF-style: chr7-92131385-T-A.
Other names: c.2064A>T, p.Arg688Ser (NM_001282677.2); c.1611A>T, p.Arg537Ser (NM_001282678.2); short protein forms R537S, R688S, R745S.
Identifiers: ClinVar variation 1034228 (VCV001034228.1), dbSNP rs963232359, ClinGen allele CA161960498.